The following is an entry in ClinVar:

NM_006940.6(SOX5):c.630C>A (p.Thr210=)

Gene: SOX5 (SRY-box transcription factor 5; minus strand). Cytogenetic location: 12p12.1.
Variant type: single nucleotide variant.
Coding change: c.630C>A on transcript NM_006940.6 (MANE Select); coding-DNA position 630, C replaced by A.
Protein change: p.Thr210=; no amino-acid change (threonine 210 retained).
Molecular consequence: synonymous variant.
Genome position (GRCh38, 1-based): chr12:23,740,978, G>T on the plus strand (C>A on the coding strand, the complement: SOX5 is on the minus strand). VCF-style: chr12-23740978-G-T. GRCh37 (hg19) VCF-style: chr12-23893912-G-T.
Other names: c.591C>A, p.Thr197= (NM_001261414.3, NM_152989.5); c.600C>A, p.Thr200= (NM_001261415.3); c.525C>A, p.Thr175= (NM_001330785.2).
Identifiers: ClinVar variation 782875 (VCV000782875.16), dbSNP rs188932107, ClinGen allele CA6484304.

ClinVar aggregate classification (germline): Benign/Likely benign. Review status: criteria provided, multiple submitters, no conflicts (2 of 4 stars). 3 submissions from 3 submitters: Benign (1); Likely benign (1). 1 of the submissions does not count toward it. Last evaluated 2025-05-01.

Conditions:
SOX5-related disorder. Also called: SOX5-related condition.

Allele frequency attached by ClinVar (database versions not stated): gnomAD 0.00029 and 0.00041; ExAC 0.00096; TOPMed 0.00096; 1000 Genomes Project 30x 0.00187; 1000 Genomes Project 0.00220.
gnomAD v4.1: 513 of 1,612,122 alleles (0.032%); highest among the groups gnomAD compares: East Asian, 1%; 6 homozygotes.

Submissions (3):

CeGaT Center for Human Genetics Tuebingen
Classification: Likely benign. Last evaluated: 2025-05-01. Review status: criteria provided, single submitter. Criteria: CeGaT Center For Human Genetics Tuebingen Variant Classification Criteria Version 2. Collection method: clinical testing. Allele origin: germline. Affected: yes. Observed: 1 variant allele.
Comment: SOX5: BP4, BP7, BS1

Labcorp Genetics (formerly Invitae), Labcorp
Classification: Benign. Last evaluated: 2019-12-31. Review status: criteria provided, single submitter. Criteria: Invitae Variant Classification Sherloc (09022015). Collection method: clinical testing. Allele origin: germline.

PreventionGenetics, part of Exact Sciences
Classification: Benign for SOX5-related condition. Last evaluated: 2019-04-26. Review status: no assertion criteria provided. Collection method: clinical testing. Allele origin: germline. Not counted in ClinVar's aggregate classification.
Comment: This variant is classified as benign based on ACMG/AMP sequence variant interpretation guidelines (Richards et al. 2015 PMID: 25741868, with internal and published modifications).